The following is an entry in ClinVar:

ClinVar aggregate classification (germline): Likely benign (1 of 4 stars; one submission).

Allele frequency attached by ClinVar (database versions not stated): 1000 Genomes Project 0.00759; 1000 Genomes Project 30x 0.00843; gnomAD 0.00846 and 0.00907; TOPMed 0.00968.
gnomAD v4.1: 1,934 of 899,982 alleles (0.21%); highest among the groups gnomAD compares: African/African-American, 3.1%; 26 homozygotes.

Submission:

GeneDx
Classification: Likely benign. Last evaluated: 2018-06-16. Review status: criteria provided, single submitter. Criteria: GeneDx Variant Classification (06012015). Collection method: clinical testing. Allele origin: germline. Affected: yes.
Comment: This variant is considered likely benign or benign based on one or more of the following criteria: it is a conservative change, it occurs at a poorly conserved position in the protein, it is predicted to be benign by multiple in silico algorithms, and/or has population frequency not consistent with disease.

NM_004544.4(NDUFA10):c.75+131C>T

Gene: NDUFA10 (NADH:ubiquinone oxidoreductase subunit A10; minus strand). Cytogenetic location: 2q37.3.
Variant type: single nucleotide variant.
Coding change: c.75+131C>T on transcript NM_004544.4 (MANE Select); 131 bases into the intron after coding-DNA position 75, C replaced by T.
Molecular consequence: intron variant.
Genome position (GRCh38, 1-based): chr2:240,025,096, G>A on the plus strand (C>T on the coding strand, the complement: NDUFA10 is on the minus strand). VCF-style: chr2-240025096-G-A. GRCh37 (hg19) VCF-style: chr2-240964513-G-A.
Other names: c.75+131C>T (NM_001322020.2, NM_001322019.2).
Identifiers: ClinVar variation 675541 (VCV000675541.1), dbSNP rs113286124, ClinGen allele CA68072737.